The following is an entry in ClinVar:

ClinVar aggregate classification (germline): Uncertain significance (1 of 4 stars; one submission).

Conditions:
Inborn genetic diseases. Identifiers: MedGen C0950123, MeSH D030342.

Submission:

Ambry Genetics
Classification: Uncertain significance for Inborn genetic diseases. Last evaluated: 2026-02-19. Review status: criteria provided, single submitter. Criteria: Ambry Variant Classification Scheme 2023. Collection method: clinical testing. Allele origin: germline.
Comment: The p.P102S variant (also known as c.304C>T), located in coding exon 5 of the ASXL1 gene, results from a C to T substitution at nucleotide position 304. The proline at codon 102 is replaced by serine, an amino acid with similar properties. This amino acid position is conserved. In addition, this alteration is predicted to be tolerated by in silico analysis. Based on the available evidence, the clinical significance of this variant remains unclear.

NM_015338.6(ASXL1):c.304C>T (p.Pro102Ser)

Gene: ASXL1 (ASXL transcriptional regulator 1; plus strand). Cytogenetic location: 20q11.21.
Variant type: single nucleotide variant.
Coding change: c.304C>T on transcript NM_015338.6 (MANE Select); coding-DNA position 304, C replaced by T.
Protein change: p.Pro102Ser; replaces proline 102 with serine.
Molecular consequence: missense variant.
Genome position (GRCh38, 1-based): chr20:32,428,179, C>T. VCF-style: chr20-32428179-C-T. GRCh37 (hg19) VCF-style: chr20-31015982-C-T.
Other names: c.274C>T, p.Pro92Ser (NM_001363734.1); short protein forms P102S, P92S.
Identifiers: ClinVar variation 4825243 (VCV004825243.1).